The following is an entry in ClinVar:

ClinVar aggregate classification (germline): Uncertain significance (1 of 4 stars; one submission).

gnomAD v4.1: 2 of 1,305,074 alleles (0.00015%); highest among the groups gnomAD compares: Admixed American, 0.0041%; no homozygotes.

Submission:

GeneDx
Classification: Uncertain significance. Last evaluated: 2024-04-23. Review status: criteria provided, single submitter. Criteria: GeneDx Variant Classification Process June 2021. Collection method: clinical testing. Allele origin: germline. Affected: yes.
Comment: In silico analysis supports that this missense variant has a deleterious effect on protein structure/function; Has not been previously published as pathogenic or benign to our knowledge

NM_015570.4(AUTS2):c.10C>G (p.Pro4Ala)

Gene: AUTS2 (activator of transcription and developmental regulator AUTS2; plus strand). Cytogenetic location: 7q11.22.
Variant type: single nucleotide variant.
Coding change: c.10C>G on transcript NM_015570.4 (MANE Select); coding-DNA position 10, C replaced by G.
Protein change: p.Pro4Ala; replaces proline 4 with alanine.
Molecular consequence: missense variant.
Genome position (GRCh38, 1-based): chr7:69,599,663, C>G. VCF-style: chr7-69599663-C-G. GRCh37 (hg19) VCF-style: chr7-69064649-C-G.
Other names: c.10C>G, p.Pro4Ala (NM_001127231.3, NM_001127232.3); short protein forms P4A.
Identifiers: ClinVar variation 3372916 (VCV003372916.1).